The following is an entry in ClinVar:

ClinVar aggregate classification (germline): Likely pathogenic (1 of 4 stars; one submission).

Conditions:
Very long chain acyl-CoA dehydrogenase deficiency (ACADVLD). Also called: Very Long-Chain Acyl-Coenzyme A Dehydrogenase Deficiency; VLCAD Deficiency. Identifiers: Orphanet 26793, MedGen C3887523, MONDO:0008723, OMIM 201475.

Submission:

Labcorp Genetics (formerly Invitae), Labcorp
Classification: Likely pathogenic for Very long chain acyl-CoA dehydrogenase deficiency. Last evaluated: 2025-08-29. Review status: criteria provided, single submitter. Criteria: Invitae Variant Classification Sherloc (09022015). Collection method: clinical testing. Allele origin: germline.
Comment: This sequence change replaces leucine, which is neutral and non-polar, with phenylalanine, which is neutral and non-polar, at codon 172 of the ACADVL protein (p.Leu172Phe). This variant is not present in population databases (gnomAD no frequency). This variant has not been reported in the literature in individuals affected with ACADVL-related conditions. ClinVar contains an entry for this variant (Variation ID: 3009876). Invitae Evidence Modeling of protein sequence and biophysical properties (such as structural, functional, and spatial information, amino acid conservation, physicochemical variation, residue mobility, and thermodynamic stability) indicates that this missense variant is expected to disrupt ACADVL protein function with a positive predictive value of 80%. This variant disrupts the p.Leu172 amino acid residue in ACADVL. Other variant(s) that disrupt this residue have been determined to be pathogenic (PMID: 30194637). This suggests that this residue is clinically significant, and that variants that disrupt this residue are likely to be disease-causing. In summary, the currently available evidence indicates that the variant is pathogenic, but additional data are needed to prove that conclusively. Therefore, this variant has been classified as Likely Pathogenic.

Literature cited by the submitters: PubMed 30194637.

NM_000018.4(ACADVL):c.514C>T (p.Leu172Phe)

Gene: ACADVL (acyl-CoA dehydrogenase very long chain; plus strand). Cytogenetic location: 17p13.1.
Variant type: single nucleotide variant.
Coding change: c.514C>T on transcript NM_000018.4 (MANE Select); coding-DNA position 514, C replaced by T.
Protein change: p.Leu172Phe; replaces leucine 172 with phenylalanine.
Molecular consequence: missense variant.
Genome position (GRCh38, 1-based): chr17:7,221,574, C>T. VCF-style: chr17-7221574-C-T. GRCh37 (hg19) VCF-style: chr17-7124893-C-T.
Other names: c.448C>T, p.Leu150Phe (NM_001033859.3); c.583C>T, p.Leu195Phe (NM_001270447.2); c.286C>T, p.Leu96Phe (NM_001270448.2); short protein forms L96F, L150F, L172F, L195F.
Identifiers: ClinVar variation 3009876 (VCV003009876.3), dbSNP rs2142974234, ClinGen allele CA397723075.
Genomic context (GRCh38, chr17:7,221,574, plus strand): 5'-CCCAGATTCCTGCTTCCCCTCCAGTACGCCCGTTTGGTGGAGATCGTGGGCATGCATGAC[C>T]TTGGCGTGGGCATTACCCTGGGGGCCCATCAGAGCATCGGTTTCAAAGGCATCCTGCTCT-3'
Protein context (NP_000009.1, residues 162-182): RLVEIVGMHD[Leu172Phe]GVGITLGAHQ